The following is an entry in ClinVar:

NM_018089.3(ANKZF1):c.1786G>A (p.Asp596Asn)

Gene: ANKZF1 (ankyrin repeat and zinc finger peptidyl tRNA hydrolase 1; plus strand). Cytogenetic location: 2q35.
Variant type: single nucleotide variant.
Coding change: c.1786G>A on transcript NM_018089.3 (MANE Select); coding-DNA position 1786, G replaced by A.
Protein change: p.Asp596Asn; replaces aspartic acid 596 with asparagine.
Molecular consequence: missense variant.
Genome position (GRCh38, 1-based): chr2:219,235,568, G>A. VCF-style: chr2-219235568-G-A. GRCh37 (hg19) VCF-style: chr2-220100290-G-A.
Other names: c.1786G>A, p.Asp596Asn (NM_001042410.2); c.1156G>A, p.Asp386Asn (NM_001282792.2); c.1786G>A (NM_018089.2); short protein forms D386N, D596N.
Identifiers: ClinVar variation 2053010 (VCV002053010.5), dbSNP rs780200272, ClinGen allele CA2121164.
Genomic context (GRCh38, chr2:219,235,568, plus strand): 5'-GCTGACAAATCAACACGTAATGAGTTCCGAAGGTTCATGGAGAAGAATCCAGATGCCTAC[G>A]ATTACAACAAGGCTCAGGTCATCTGGAATAGGAAGGACAAGCAGAGTGGGAAGGCATCAC-3'
Protein context (NP_060559.2, residues 586-606): RFMEKNPDAY[Asp596Asn]YNKAQVPGPL

ClinVar aggregate classification (germline): Uncertain significance. Review status: criteria provided, multiple submitters, no conflicts (2 of 4 stars). 2 submissions from 2 submitters: Uncertain significance (2). Last evaluated 2026-01-26.

Allele frequency attached by ClinVar (database versions not stated): gnomAD 0.00004; gnomAD exomes 0.00004; TOPMed 0.00008; ExAC 0.00011.
gnomAD v4.1: 58 of 1,613,884 alleles (0.0036%); highest among the groups gnomAD compares: Admixed American, 0.075%; no homozygotes.

Submissions (2):

Labcorp Genetics (formerly Invitae), Labcorp
Classification: Uncertain significance. Last evaluated: 2026-01-26. Review status: criteria provided, single submitter. Criteria: Invitae Variant Classification Sherloc (09022015). Collection method: clinical testing. Allele origin: germline.
Comment: This sequence change replaces aspartic acid, which is acidic and polar, with asparagine, which is neutral and polar, at codon 596 of the ANKZF1 protein (p.Asp596Asn). The frequency data for this variant in the population databases is considered unreliable, as metrics indicate poor data quality at this position in the gnomAD database. This variant has not been reported in the literature in individuals affected with ANKZF1-related conditions. ClinVar contains an entry for this variant (Variation ID: 2053010). An algorithm developed to predict the effect of missense changes on protein structure and function (PolyPhen-2) suggests that this variant is likely to be disruptive. In summary, the available evidence is currently insufficient to determine the role of this variant in disease. Therefore, it has been classified as a Variant of Uncertain Significance.

Ambry Genetics
Classification: Uncertain significance. Last evaluated: 2025-05-15. Review status: criteria provided, single submitter. Criteria: Ambry Variant Classification Scheme 2023. Collection method: clinical testing. Allele origin: germline.